The following is an entry in ClinVar:

ClinVar aggregate classification (germline): Uncertain significance. Review status: criteria provided, single submitter (1 of 4 stars). 2 submissions from 2 submitters: Uncertain significance (1). 1 of the submissions does not count toward it. Last evaluated 2025-05-07.

Conditions:
JAK1-related disorder. Also called: JAK1-related condition.

Allele frequency attached by ClinVar (database versions not stated): gnomAD 0.00002; gnomAD exomes 0.00001; ExAC 0.00004; TOPMed 0.00002.
gnomAD v4.1: 22 of 1,612,522 alleles (0.0014%); highest among the groups gnomAD compares: Non-Finnish European, 0.0017%; no homozygotes.

Submissions (2):

Labcorp Genetics (formerly Invitae), Labcorp
Classification: Uncertain significance. Last evaluated: 2025-05-07. Review status: criteria provided, single submitter. Criteria: Invitae Variant Classification Sherloc (09022015). Collection method: clinical testing. Allele origin: germline.
Comment: This sequence change replaces asparagine, which is neutral and polar, with serine, which is neutral and polar, at codon 1138 of the JAK1 protein (p.Asn1138Ser). This variant is present in population databases (rs774929119, gnomAD 0.004%). This variant has not been reported in the literature in individuals affected with JAK1-related conditions. ClinVar contains an entry for this variant (Variation ID: 1962784). Invitae Evidence Modeling of protein sequence and biophysical properties (such as structural, functional, and spatial information, amino acid conservation, physicochemical variation, residue mobility, and thermodynamic stability) indicates that this missense variant is not expected to disrupt JAK1 protein function with a negative predictive value of 80%. In summary, the available evidence is currently insufficient to determine the role of this variant in disease. Therefore, it has been classified as a Variant of Uncertain Significance.

PreventionGenetics, part of Exact Sciences
Classification: Uncertain significance for JAK1-related condition. Last evaluated: 2024-08-02. Review status: no assertion criteria provided. Collection method: clinical testing. Allele origin: germline. Not counted in ClinVar's aggregate classification.
Comment: The JAK1 c.3413A>G variant is predicted to result in the amino acid substitution p.Asn1138Ser. To our knowledge, this variant has not been reported in the literature. This variant is reported in 0.0044% of alleles in individuals of European (Non-Finnish) descent in gnomAD. At this time, the clinical significance of this variant is uncertain due to the absence of conclusive functional and genetic evidence.

NM_002227.4(JAK1):c.3413A>G (p.Asn1138Ser)

Gene: JAK1 (Janus kinase 1; minus strand). Cytogenetic location: 1p31.3.
Variant type: single nucleotide variant.
Coding change: c.3413A>G on transcript NM_002227.4 (MANE Select); coding-DNA position 3413, A replaced by G.
Protein change: p.Asn1138Ser; replaces asparagine 1138 with serine.
Molecular consequence: missense variant.
Genome position (GRCh38, 1-based): chr1:64,834,614, T>C on the plus strand (A>G on the coding strand, the complement: JAK1 is on the minus strand). VCF-style: chr1-64834614-T-C. GRCh37 (hg19) VCF-style: chr1-65300297-T-C.
Other names: c.3413A>G, p.Asn1138Ser (NM_001320923.2, NM_001321852.2, NM_001321853.2 and 3 more transcripts); c.3410A>G, p.Asn1137Ser (NM_001321857.2); c.3413A>G (NM_002227.3); short protein forms N1137S, N1138S.
Identifiers: ClinVar variation 1962784 (VCV001962784.6), dbSNP rs774929119, ClinGen allele CA892438.